The following is an entry in ClinVar:

ClinVar aggregate classification (germline): Uncertain significance (1 of 4 stars; one submission).

Conditions:
Cardiovascular phenotype. Identifiers: MedGen CN230736.

Allele frequency attached by ClinVar (database versions not stated): gnomAD exomes 0.00001.
gnomAD v4.1: 13 of 1,613,008 alleles (0.00081%); highest among the groups gnomAD compares: Non-Finnish European, 0.001%; no homozygotes.

Submission:

Ambry Genetics
Classification: Uncertain significance for Cardiovascular phenotype. Last evaluated: 2021-10-06. Review status: criteria provided, single submitter. Criteria: Ambry Variant Classification Scheme 2023. Collection method: clinical testing. Allele origin: germline.
Comment: The p.T320I variant (also known as c.959C>T), located in coding exon 10 of the EYA4 gene, results from a C to T substitution at nucleotide position 959. The threonine at codon 320 is replaced by isoleucine, an amino acid with similar properties. This amino acid position is conserved. In addition, the in silico prediction for this alteration is inconclusive. Since supporting evidence is limited at this time, the clinical significance of this alteration remains unclear.

NM_004100.5(EYA4):c.959C>T (p.Thr320Ile)

Gene: EYA4 (EYA transcriptional coactivator and phosphatase 4; plus strand). Cytogenetic location: 6q23.2.
Variant type: single nucleotide variant.
Coding change: c.959C>T on transcript NM_004100.5 (MANE Select); coding-DNA position 959, C replaced by T.
Protein change: p.Thr320Ile; replaces threonine 320 with isoleucine.
Molecular consequence: missense variant.
Genome position (GRCh38, 1-based): chr6:133,468,720, C>T. VCF-style: chr6-133468720-C-T. GRCh37 (hg19) VCF-style: chr6-133789858-C-T.
Other names: c.797C>T, p.Thr266Ile (NM_001301012.2, NM_001370459.1); c.959C>T, p.Thr320Ile (NM_001301013.2, NM_172105.4); c.890C>T, p.Thr297Ile (NM_001370458.1, NM_172103.4); short protein forms T266I, T320I, T297I.
Identifiers: ClinVar variation 1767495 (VCV001767495.2), dbSNP rs2534671877, ClinGen allele CA365703931.
Genomic context (GRCh38, chr6:133,468,720, plus strand): 5'-CCGATGGCACACCCTCTTCAACCTCTACTTATCAGTTGCAGGAATCTCTCCCAGGACTGA[C>T]TAACCAACCAGGTACAGATCTTCACCCAGGTGAAATACTTTTATATGTTTTGCAATATCT-3'
Protein context (NP_004091.3, residues 310-330): YQLQESLPGL[Thr320Ile]NQPGEFDTMQ